The following is an entry in ClinVar:

NM_001042492.3(NF1):c.3573_3574inv (p.Glu1192Ter)

Gene: NF1 (neurofibromin 1; plus strand). Cytogenetic location: 17q11.2.
Variant type: Inversion.
Coding change: c.3573_3574inv on transcript NM_001042492.3 (MANE Select).
Protein change: p.Glu1192Ter; replaces glutamic acid 1192 with a stop codon.
Molecular consequence: nonsense.
Genome position: GRCh38 VCF-style: chr17-31233078-AG-CT. GRCh37 (hg19) VCF-style: chr17-29560096-AG-CT.
Other names: c.3573_3574delinsCT (NM_000267.3); c.3573_3574invAG, p.Glu1192Ter (NM_000267.4); short protein forms E1192*.
Identifiers: ClinVar variation 952932 (VCV000952932.6), ClinGen allele CA1139665339.
Genomic context (GRCh38, chr17:31,233,078, plus strand): 5'-GGATCTCCAGACAAGAGCTACATTTATGGAAGTTCTGACAAAAATCCTTCAACAAGGCAC[AG>CT]AATTTGACACACTTGCAGAAACAGTATTGGCTGATCGGTTTGAGAGATTGGTGGAACTGG-3'

ClinVar aggregate classification (germline): Pathogenic (1 of 4 stars; one submission).

Conditions:
Neurofibromatosis, type 1 (NF1). Also called: VON RECKLINGHAUSEN DISEASE; NEUROFIBROMATOSIS, TYPE I, SOMATIC; Peripheral type neurofibromatosis; Neurofibromatosis, type I. Identifiers: Orphanet 636, MedGen C0027831, MONDO:0018975, OMIM 162200. Disease mechanism: loss of function.

Submission:

Labcorp Genetics (formerly Invitae), Labcorp
Classification: Pathogenic for Neurofibromatosis, type 1. Last evaluated: 2019-08-05. Review status: criteria provided, single submitter. Criteria: Invitae Variant Classification Sherloc (09022015). Collection method: clinical testing. Allele origin: germline.
Comment: For these reasons, this variant has been classified as Pathogenic. This sequence change creates a premature translational stop signal (p.Glu1192*) in the NF1 gene. It is expected to result in an absent or disrupted protein product. This variant is not present in population databases (ExAC no frequency). Loss-of-function variants in NF1 are known to be pathogenic (PMID: 10712197, 23913538). This nonsense change has been observed in individuals affected with clinical features of neurofibromatosis type 1 (PMID: 29620724, 30308447).

Literature cited by the submitters: PubMed 10712197; PubMed 23913538; PubMed 29620724; PubMed 30308447.